The following is an entry in ClinVar:

NM_031885.5(BBS2):c.1460C>T (p.Thr487Ile)

Gene: BBS2 (Bardet-Biedl syndrome 2; minus strand). Cytogenetic location: 16q13.
Variant type: single nucleotide variant.
Coding change: c.1460C>T on transcript NM_031885.5 (MANE Select); coding-DNA position 1460, C replaced by T.
Protein change: p.Thr487Ile; replaces threonine 487 with isoleucine.
Molecular consequence: missense variant. On other transcripts: non-coding transcript variant (5).
Genome position (GRCh38, 1-based): chr16:56,499,845, G>A on the plus strand (C>T on the coding strand, the complement: BBS2 is on the minus strand). VCF-style: chr16-56499845-G-A. GRCh37 (hg19) VCF-style: chr16-56533757-G-A.
Other names: c.1460C>T, p.Thr487Ile (NM_001377456.1); short protein forms T487I.
Identifiers: ClinVar variation 3351757 (VCV003351757.3).

ClinVar aggregate classification (germline): Uncertain significance. Review status: criteria provided, multiple submitters, no conflicts (2 of 4 stars). 2 submissions from 2 submitters: Uncertain significance (2). Last evaluated 2025-08-07.

Conditions:
BBS2-related disorder. Also called: BBS2-related disorders; BBS2-related condition. Identifiers: MedGen CN239228.

gnomAD v4.1: 9 of 1,614,090 alleles (0.00056%); highest among the groups gnomAD compares: Non-Finnish European, 0.00076%; no homozygotes.

Submissions (2):

PreventionGenetics, part of Exact Sciences
Classification: Uncertain significance for BBS2-related condition. Last evaluated: 2025-08-07. Review status: criteria provided, single submitter. Criteria: ACMG Guidelines, 2015. Collection method: clinical testing. Allele origin: germline.
Comment: The BBS2 c.1460C>T variant is predicted to result in the amino acid substitution p.Thr487Ile. To our knowledge, this variant has not been reported in the literature. This variant is reported in 0.0026% of alleles in individuals of European (Non-Finnish) descent in gnomAD. At this time, the clinical significance of this variant is uncertain due to the absence of conclusive functional and genetic evidence.

Blueprint Genetics
Classification: Uncertain significance. Last evaluated: 2020-12-04. Review status: criteria provided, single submitter. Criteria: ACMG Guidelines, 2015. Collection method: clinical testing. Allele origin: germline.